The following is an entry in ClinVar:

NM_001145306.2(CDK6):c.468C>T (p.Ser156=)

Gene: CDK6 (cyclin dependent kinase 6; minus strand). Cytogenetic location: 7q21.2.
Variant type: single nucleotide variant.
Coding change: c.468C>T on transcript NM_001145306.2 (MANE Select); coding-DNA position 468, C replaced by T.
Protein change: p.Ser156=; no amino-acid change (serine 156 retained).
Molecular consequence: synonymous variant.
Genome position (GRCh38, 1-based): chr7:92,725,695, G>A on the plus strand (C>T on the coding strand, the complement: CDK6 is on the minus strand). VCF-style: chr7-92725695-G-A. GRCh37 (hg19) VCF-style: chr7-92355009-G-A.
Other names: c.468C>T, p.Ser156= (NM_001259.8).
Identifiers: ClinVar variation 4872351 (VCV004872351.2).

ClinVar aggregate classification (germline): Likely benign (1 of 4 stars; one submission).

gnomAD v4.1: 9 of 1,613,974 alleles (0.00056%); highest among the groups gnomAD compares: East Asian, 0.0067%; no homozygotes.

Submission:

CeGaT Center for Human Genetics Tuebingen
Classification: Likely benign. Last evaluated: 2026-07-01. Review status: criteria provided, single submitter. Criteria: CeGaT Center For Human Genetics Tuebingen Variant Classification Criteria Version 2. Collection method: clinical testing. Allele origin: germline. Affected: yes. Observed: 2 variant alleles.
Comment: CDK6: BP4, BP7